The following is an entry in ClinVar:

NM_001374623.1(PNPLA1):c.1327C>A (p.Leu443Ile)

Gene: PNPLA1 (patatin like domain 1, omega-hydroxyceramide transacylase; plus strand). Cytogenetic location: 6p21.31.
Variant type: single nucleotide variant.
Coding change: c.1327C>A on transcript NM_001374623.1 (MANE Select); coding-DNA position 1327, C replaced by A.
Protein change: p.Leu443Ile; replaces leucine 443 with isoleucine.
Molecular consequence: missense variant.
Genome position (GRCh38, 1-based): chr6:36,302,412, C>A. VCF-style: chr6-36302412-C-A. GRCh37 (hg19) VCF-style: chr6-36270189-C-A.
Other names: c.1069C>A, p.Leu357Ile (NM_001145716.2); c.1327C>A, p.Leu443Ile (NM_001145717.1); c.1042C>A, p.Leu348Ile (NM_173676.2); short protein forms L443I, L348I, L357I.
Identifiers: ClinVar variation 768083 (VCV000768083.12), dbSNP rs148471904, ClinGen allele CA3777985.

ClinVar aggregate classification (germline): Conflicting classifications of pathogenicity. Review status: criteria provided, conflicting classifications (1 of 4 stars). 3 submissions from 3 submitters: Uncertain significance (2); Likely benign (1). Last evaluated 2026-01-26.

Conditions:
Inborn genetic diseases. Identifiers: MedGen C0950123, MeSH D030342.

Allele frequency attached by ClinVar (database versions not stated): ESP Exome Variant Server 0.00015; TOPMed 0.00019; ExAC 0.00021; gnomAD exomes 0.00022; gnomAD 0.00025 and 0.00026.
gnomAD v4.1: 238 of 1,575,870 alleles (0.015%); highest among the groups gnomAD compares: Middle Eastern, 0.085%; no homozygotes.

Submissions (3):

Labcorp Genetics (formerly Invitae), Labcorp
Classification: Likely benign. Last evaluated: 2026-01-26. Review status: criteria provided, single submitter. Criteria: Invitae Variant Classification Sherloc (09022015). Collection method: clinical testing. Allele origin: germline.

CeGaT Center for Human Genetics Tuebingen
Classification: Uncertain significance. Last evaluated: 2025-12-01. Review status: criteria provided, single submitter. Criteria: CeGaT Center For Human Genetics Tuebingen Variant Classification Criteria Version 2. Collection method: clinical testing. Allele origin: germline. Affected: yes. Observed: 2 variant alleles.
Comment: PNPLA1: PM2, BP2, BP4

Ambry Genetics
Classification: Uncertain significance for Inborn genetic diseases. Last evaluated: 2024-11-26. Review status: criteria provided, single submitter. Criteria: Ambry Variant Classification Scheme 2023. Collection method: clinical testing. Allele origin: germline.